The following is an entry in ClinVar:

Conditions:
Long QT syndrome 5 (LQT5). Identifiers: Orphanet 101016, Orphanet 768, MedGen C1867904, MONDO:0013372, OMIM 613695.

Submission:

Roden Lab, Vanderbilt University Medical Center
No classification provided (evidence only). Condition: Long QT syndrome 5. Review status: no classification provided. Collection method: in vitro. Allele origin: not applicable. Functional consequence: Effect on ion channel function.
ClinVar note: "not provided" was previously submitted as the classification for the variant. However, the classification appeared to be based only on an observation of functional data so it was converted to no classification on 2025-07-30.

NM_000219.6(KCNE1):c.205A>T (p.Lys69Ter)

Gene: KCNE1 (potassium voltage-gated channel subfamily E regulatory subunit 1; minus strand). Cytogenetic location: 21q22.12.
Variant type: single nucleotide variant.
Coding change: c.205A>T on transcript NM_000219.6 (MANE Select); coding-DNA position 205, A replaced by T.
Protein change: p.Lys69Ter; replaces lysine 69 with a stop codon.
Molecular consequence: nonsense.
Genome position (GRCh38, 1-based): chr21:34,449,430, T>A on the plus strand (A>T on the coding strand, the complement: KCNE1 is on the minus strand). VCF-style: chr21-34449430-T-A. GRCh37 (hg19) VCF-style: chr21-35821728-T-A.
Other names: c.205A>T, p.Lys69Ter (NM_001127668.4, NM_001127669.4, NM_001127670.4 and 4 more transcripts); short protein forms K69*.
Identifiers: ClinVar variation 3374327 (VCV003374327.2).